The following is an entry in ClinVar:

ClinVar aggregate classification (germline): Uncertain significance. Review status: criteria provided, multiple submitters, no conflicts (2 of 4 stars). 2 submissions from 2 submitters: Uncertain significance (2). Last evaluated 2025-10-24.

Conditions:
Inborn genetic diseases. Identifiers: MedGen C0950123, MeSH D030342.

Allele frequency attached by ClinVar (database versions not stated): gnomAD 0.00002 and 0.00001; TOPMed 0.00003; gnomAD exomes 0.00004 and 0.00003; ESP Exome Variant Server 0.00008; ExAC 0.00003.
gnomAD v4.1: 57 of 1,607,336 alleles (0.0035%); highest among the groups gnomAD compares: Non-Finnish European, 0.0042%; no homozygotes.

Submissions (2):

Ambry Genetics
Classification: Uncertain significance for Inborn genetic diseases. Last evaluated: 2025-10-24. Review status: criteria provided, single submitter. Criteria: Ambry Variant Classification Scheme 2023. Collection method: clinical testing. Allele origin: germline.

Labcorp Genetics (formerly Invitae), Labcorp
Classification: Uncertain significance. Last evaluated: 2021-08-09. Review status: criteria provided, single submitter. Criteria: Invitae Variant Classification Sherloc (09022015). Collection method: clinical testing. Allele origin: germline.
Comment: In summary, the available evidence is currently insufficient to determine the role of this variant in disease. Therefore, it has been classified as a Variant of Uncertain Significance. Algorithms developed to predict the effect of missense changes on protein structure and function are either unavailable or do not agree on the potential impact of this missense change (SIFT: "Deleterious"; PolyPhen-2: "Probably Damaging"; Align-GVGD: "Class C0"). This variant has not been reported in the literature in individuals affected with ASPM-related conditions. This variant is present in population databases (rs376525687, ExAC 0.01%). This sequence change replaces arginine with lysine at codon 3216 of the ASPM protein (p.Arg3216Lys). The arginine residue is highly conserved and there is a small physicochemical difference between arginine and lysine.

NM_018136.5(ASPM):c.9647G>A (p.Arg3216Lys)

Gene: ASPM (assembly factor for spindle microtubules; minus strand). Cytogenetic location: 1q31.3.
Variant type: single nucleotide variant.
Coding change: c.9647G>A on transcript NM_018136.5 (MANE Select); coding-DNA position 9647, G replaced by A.
Protein change: p.Arg3216Lys; replaces arginine 3216 with lysine.
Molecular consequence: missense variant.
Genome position (GRCh38, 1-based): chr1:197,090,378, C>T on the plus strand (G>A on the coding strand, the complement: ASPM is on the minus strand). VCF-style: chr1-197090378-C-T. GRCh37 (hg19) VCF-style: chr1-197059508-C-T.
Other names: c.9647G>A (NM_018136.4); c.4892G>A, p.Arg1631Lys (NM_001206846.2); short protein forms R1631K, R3216K.
Identifiers: ClinVar variation 1401373 (VCV001401373.6), dbSNP rs376525687, ClinGen allele CA1308887.
Genomic context (GRCh38, chr1:197,090,378, plus strand): 5'-AGACTTAGTCGTATAGCTTTAATTTTTGTACAATCATTTTTCTTCCTCCAAGAATAGCCT[C>T]TCCATAATGCCTTAAAGAGATAAAACAGAGTAATTTTAAGATTATAGCCAATGTTTTCTA-3'
Protein context (NP_060606.3, residues 3206-3226): SGIIKIQALW[Arg3216Lys]GYSWRKKNDC